The following is an entry in ClinVar:

NM_018075.5(ANO10):c.424dup (p.Met142fs)

Gene: ANO10 (anoctamin 10; minus strand). Cytogenetic location: 3p22.1.
Variant type: Duplication.
Coding change: c.424dup on transcript NM_018075.5 (MANE Select); coding-DNA position 424, one base duplicated (A; older notation c.424dupA).
Protein change: p.Met142fs; shifts the reading frame from methionine 142.
Molecular consequence: frameshift variant. On other transcripts: intron variant (1).
Genome position (GRCh38, 1-based): chr3:43,598,580, T duplicated on the plus strand (A on the coding strand, the reverse complement: ANO10 is on the minus strand); the first of 6 consecutive T bases (chr3:43,598,580-43,598,585); duplicating any one gives the same sequence. VCF-style (leftmost placement, unchanged base first): chr3-43598579-A-AT. GRCh37 (hg19) VCF-style: chr3-43640071-A-AT.
Other names: c.424dup, p.Met142fs (NM_001204831.3, NM_001204834.3, NM_001346463.2 and 4 more transcripts); c.226dup, p.Met76fs (NM_001204832.3, NM_001346466.2, NM_001346469.2); c.139+7134dup (NM_001204833.3); short protein forms M142fs, M76fs.
Identifiers: ClinVar variation 5015514 (VCV005015514.1).

ClinVar aggregate classification (germline): Pathogenic (1 of 4 stars; one submission).

Conditions:
Autosomal recessive spinocerebellar ataxia 10. Identifiers: Orphanet 284289, MedGen C3150998, MONDO:0013392, OMIM 613728.

Submission:

Myriad Genetics, Inc.
Classification: Pathogenic for Autosomal recessive spinocerebellar ataxia 10. Last evaluated: 2026-02-04. Review status: criteria provided, single submitter. Criteria: Myriad Autosomal Dominant, Autosomal Recessive and X-Linked Classification Criteria (2023). Collection method: clinical testing. Allele origin: unknown.
Comment: NM_018075.3(ANO10):c.424dupA(M142Nfs*34) is expected to be pathogenic in the context of spinocerebellar ataxia, ANO10-related. This variant is predicted to lead to an abnormal or absent protein product due to the creation of a premature termination codon in ANO10, a gene where loss-of-function variants are known to be pathogenic. Please note: this variant was assessed in the context of healthy population screening.